The following is an entry in ClinVar:

ClinVar aggregate classification (germline): Uncertain significance (1 of 4 stars; one submission).

Conditions:
Cardiovascular phenotype. Identifiers: MedGen CN230736.

gnomAD v4.1: 29 of 1,610,284 alleles (0.0018%); highest among the groups gnomAD compares: Middle Eastern, 0.016%; no homozygotes.

Submission:

Ambry Genetics
Classification: Uncertain significance for Cardiovascular phenotype. Last evaluated: 2026-08-28. Review status: criteria provided, single submitter. Criteria: Ambry Variant Classification Scheme 2023. Collection method: clinical testing. Allele origin: germline.
Comment: The c.8144-3C>T intronic variant results from a C to T substitution 3 nucleotides upstream from coding exon 23 in the TNXB gene. This nucleotide position is highly conserved in available vertebrate species. In silico splice site analysis predicts that this alteration will not have any significant effect on splicing. Based on the available evidence, the clinical significance of this variant remains unclear.

NM_001365276.2(TNXB):c.8144-3C>T

Gene: TNXB (tenascin XB; minus strand). Cytogenetic location: 6p21.33.
Variant type: single nucleotide variant.
Coding change: c.8144-3C>T on transcript NM_001365276.2 (MANE Select); 3 bases into the intron before coding-DNA position 8144, C replaced by T.
Molecular consequence: intron variant.
Genome position (GRCh38, 1-based): chr6:32,056,177, G>A on the plus strand (C>T on the coding strand, the complement: TNXB is on the minus strand). VCF-style: chr6-32056177-G-A. GRCh37 (hg19) VCF-style: chr6-32023954-G-A.
Other names: c.8144-3C>T (NM_019105.8); c.8885-3C>T (NM_001428335.1).
Identifiers: ClinVar variation 5030998 (VCV005030998.1).